The following is an entry in ClinVar:

ClinVar aggregate classification (germline): Uncertain significance (1 of 4 stars; one submission).

Submission:

Labcorp Genetics (formerly Invitae), Labcorp
Classification: Uncertain significance. Last evaluated: 2025-12-24. Review status: criteria provided, single submitter. Criteria: Invitae Variant Classification Sherloc (09022015). Collection method: clinical testing. Allele origin: germline.
Comment: This sequence change replaces leucine, which is neutral and non-polar, with valine, which is neutral and non-polar, at codon 299 of the RERE protein (p.Leu299Val). This variant is not present in population databases (gnomAD no frequency). This variant has not been reported in the literature in individuals affected with RERE-related conditions. Invitae Evidence Modeling of protein sequence and biophysical properties (such as structural, functional, and spatial information, amino acid conservation, physicochemical variation, residue mobility, and thermodynamic stability) indicates that this missense variant is not expected to disrupt RERE protein function with a negative predictive value of 95%. In summary, the available evidence is currently insufficient to determine the role of this variant in disease. Therefore, it has been classified as a Variant of Uncertain Significance.

NM_001042681.2(RERE):c.895C>G (p.Leu299Val)

Gene: RERE (arginine-glutamic acid dipeptide repeats; minus strand). Cytogenetic location: 1p36.23.
Variant type: single nucleotide variant.
Coding change: c.895C>G on transcript NM_001042681.2 (MANE Select); coding-DNA position 895, C replaced by G.
Protein change: p.Leu299Val; replaces leucine 299 with valine.
Molecular consequence: missense variant.
Genome position (GRCh38, 1-based): chr1:8,497,514, G>C on the plus strand (C>G on the coding strand, the complement: RERE is on the minus strand). VCF-style: chr1-8497514-G-C. GRCh37 (hg19) VCF-style: chr1-8557574-G-C.
Other names: c.895C>G, p.Leu299Val (NM_012102.4); short protein forms L299V.
Identifiers: ClinVar variation 4799816 (VCV004799816.1).